The following is an entry in ClinVar:

ClinVar aggregate classification (germline): Uncertain significance (1 of 4 stars; one submission).

Conditions:
Aortic aneurysm, familial thoracic 7 (AAT7). Also called: AORTIC DISSECTION, FAMILIAL, WITH OR WITHOUT AORTIC ANEURYSM. Identifiers: MedGen C3151077, MONDO:0013418, OMIM 613780.

Allele frequency attached by ClinVar (database versions not stated): gnomAD exomes below 0.00001.
gnomAD v4.1: 1 of 1,614,202 alleles (0.000062%); highest among the groups gnomAD compares: Non-Finnish European, 0.000085%; no homozygotes.

Submission:

Labcorp Genetics (formerly Invitae), Labcorp
Classification: Uncertain significance for Aortic aneurysm, familial thoracic 7. Last evaluated: 2023-12-26. Review status: criteria provided, single submitter. Criteria: Invitae Variant Classification Sherloc (09022015). Collection method: clinical testing. Allele origin: germline.
Comment: This sequence change replaces isoleucine, which is neutral and non-polar, with valine, which is neutral and non-polar, at codon 1407 of the MYLK protein (p.Ile1407Val). This variant is not present in population databases (gnomAD no frequency). This variant has not been reported in the literature in individuals affected with MYLK-related conditions. Advanced modeling of protein sequence and biophysical properties (such as structural, functional, and spatial information, amino acid conservation, physicochemical variation, residue mobility, and thermodynamic stability) performed at Invitae indicates that this missense variant is not expected to disrupt MYLK protein function with a negative predictive value of 80%. In summary, the available evidence is currently insufficient to determine the role of this variant in disease. Therefore, it has been classified as a Variant of Uncertain Significance.

NM_053025.4(MYLK):c.4219A>G (p.Ile1407Val)

Gene: MYLK (myosin light chain kinase; minus strand). Cytogenetic location: 3q21.1.
Variant type: single nucleotide variant.
Coding change: c.4219A>G on transcript NM_053025.4 (MANE Select); coding-DNA position 4219, A replaced by G.
Protein change: p.Ile1407Val; replaces isoleucine 1407 with valine.
Molecular consequence: missense variant.
Genome position (GRCh38, 1-based): chr3:123,657,195, T>C on the plus strand (A>G on the coding strand, the complement: MYLK is on the minus strand). VCF-style: chr3-123657195-T-C. GRCh37 (hg19) VCF-style: chr3-123376042-T-C.
Other names: c.3691A>G, p.Ile1231Val (NM_001321309.2); c.4012A>G, p.Ile1338Val (NM_053026.4, NM_053028.4); c.4219A>G, p.Ile1407Val (NM_053027.4); short protein forms I1231V, I1338V, I1407V.
Identifiers: ClinVar variation 2997532 (VCV002997532.3), dbSNP rs2473536064, ClinGen allele CA354227876.
Genomic context (GRCh38, chr3:123,657,195, plus strand): 5'-TCTCTCCTACCGTTGTGAGTTCAGACTCCTGGCTTGGCTCACTGGTTCCATACACGTTGA[T>C]TGCACGTACACGGAACTTATATTCGTGGTCAGGCAGCAGGTCCTGGACGTTGAAAGAGGT-3'
Protein context (NP_444253.3, residues 1397-1417): DHEYKFRVRA[Ile1407Val]NVYGTSEPSQ